The following is an entry in ClinVar:

NM_003482.4(KMT2D):c.5105G>T (p.Arg1702Leu)

Gene: KMT2D (lysine methyltransferase 2D; minus strand). Cytogenetic location: 12q13.12.
Variant type: single nucleotide variant.
Coding change: c.5105G>T on transcript NM_003482.4 (MANE Select); coding-DNA position 5105, G replaced by T.
Protein change: p.Arg1702Leu; replaces arginine 1702 with leucine.
Molecular consequence: missense variant.
Genome position (GRCh38, 1-based): chr12:49,044,283, C>A on the plus strand (G>T on the coding strand, the complement: KMT2D is on the minus strand). VCF-style: chr12-49044283-C-A. GRCh37 (hg19) VCF-style: chr12-49438066-C-A.
Other names: short protein forms R1702L.
Identifiers: ClinVar variation 3635152 (VCV003635152.2).

ClinVar aggregate classification (germline): Uncertain significance (1 of 4 stars; one submission).

Conditions:
Kabuki syndrome. Also called: NIIKAWA-KUROKI SYNDROME; Kabuki make-up syndrome. Identifiers: Orphanet 2322, MedGen C0796004, MONDO:0016512.

Submission:

Labcorp Genetics (formerly Invitae), Labcorp
Classification: Uncertain significance for Kabuki syndrome. Last evaluated: 2025-10-29. Review status: criteria provided, single submitter. Criteria: Invitae Variant Classification Sherloc (09022015). Collection method: clinical testing. Allele origin: germline.
Comment: This sequence change replaces arginine, which is basic and polar, with leucine, which is neutral and non-polar, at codon 1702 of the KMT2D protein (p.Arg1702Leu). This variant is not present in population databases (gnomAD no frequency). This variant has not been reported in the literature in individuals affected with KMT2D-related conditions. ClinVar contains an entry for this variant (Variation ID: 3635152). Invitae Evidence Modeling of protein sequence and biophysical properties (such as structural, functional, and spatial information, amino acid conservation, physicochemical variation, residue mobility, and thermodynamic stability) indicates that this missense variant is expected to disrupt KMT2D protein function with a positive predictive value of 95%. In summary, the available evidence is currently insufficient to determine the role of this variant in disease. Therefore, it has been classified as a Variant of Uncertain Significance.